The following is an entry in ClinVar:

ClinVar aggregate classification (germline): Uncertain significance (1 of 4 stars; one submission).

Conditions:
Ataxia-telangiectasia syndrome (AT). Also called: Cerebello-oculocutaneous telangiectasia; Immunodeficiency with ataxia telangiectasia; Ataxia-telangiectasia, complementation group E; Ataxia-telangiectasia, complementation group D; AT, COMPLEMENTATION GROUP C; ATAXIA-TELANGIECTASIA, COMPLEMENTATION GROUP A. Identifiers: Orphanet 100, MedGen C0004135, MONDO:0008840, OMIM 208900.

Submission:

Labcorp Genetics (formerly Invitae), Labcorp
Classification: Uncertain significance for Ataxia-telangiectasia syndrome. Last evaluated: 2018-03-17. Review status: criteria provided, single submitter. Criteria: Invitae Variant Classification Sherloc (09022015). Collection method: clinical testing. Allele origin: germline.
Comment: This variant has not been reported in the literature in individuals with ATM-related disease. This variant is not present in population databases (ExAC no frequency). This sequence change falls in intron 49 of the ATM gene. It does not directly change the encoded amino acid sequence of the ATM protein, but it affects a nucleotide within the consensus splice site of the intron. Nucleotide substitutions within the consensus splice site are a relatively common cause of aberrant splicing (PMID: 17576681, 9536098). Algorithms developed to predict the effect of sequence changes on RNA splicing suggest that this variant may disrupt the consensus splice site, but this prediction has not been confirmed by published transcriptional studies. In summary, the available evidence is currently insufficient to determine the role of this variant in disease. Therefore, it has been classified as a Variant of Uncertain Significance.

Literature cited by the submitters: PubMed 17576681; PubMed 9536098.

NM_000051.4(ATM):c.7307+4A>T

Genes: C11orf65 (chromosome 11 open reading frame 65; minus strand), ATM (ATM serine/threonine kinase; plus strand). Cytogenetic location: 11q22.3.
Variant type: single nucleotide variant.
Coding change: c.7307+4A>T on transcript NM_000051.4 (MANE Select); 4 bases into the intron after coding-DNA position 7307, A replaced by T.
Molecular consequence: intron variant.
Genome position (GRCh38, 1-based): chr11:108,329,242, A>T. VCF-style: chr11-108329242-A-T. GRCh37 (hg19) VCF-style: chr11-108199969-A-T.
Other names: c.7307+4A>T (NM_001351834.2); c.641-20171T>A (NM_001330368.2); c.*38+5978T>A (NM_001351110.2).
Identifiers: ClinVar variation 568247 (VCV000568247.7), dbSNP rs730881316, ClinGen allele CA891842773.